The following is an entry in ClinVar:

ClinVar aggregate classification (germline): Likely pathogenic. Review status: criteria provided, single submitter (1 of 4 stars). 2 submissions from 2 submitters: Likely pathogenic (1). 1 of the submissions does not count toward it.

Conditions:
Orofaciodigital syndrome I (OFD1). Also called: OFDS I; Papillon-Leage and Psaume Syndrome; Oral-Facial-Digital Syndrome Type I. Identifiers: Orphanet 2750, MedGen C1510460, MONDO:0010702, OMIM 311200.
Retinitis pigmentosa 23 (RP23). Identifiers: Orphanet 791, MedGen C1419610, MONDO:0010320, OMIM 300424.
Joubert syndrome 10 (JBTS10). Identifiers: Orphanet 2754, MedGen C2749019, MONDO:0010431, OMIM 300804.
Simpson-Golabi-Behmel syndrome type 2. Identifiers: Orphanet 79022, MedGen C1846175, MONDO:0010265, OMIM 300209.
Joubert syndrome. Also called: Familial aplasia of the vermis; JOUBERT-BOLTSHAUSER SYNDROME. Identifiers: Orphanet 475, MedGen C5979921, MONDO:0018772.
Primary ciliary dyskinesia. Also called: Ciliary dyskinesia. Identifiers: Orphanet 244, MedGen C0008780, MONDO:0016575, HP:0012265.

Submissions (2):

Juno Genomics, Hangzhou Juno Genomics, Inc
Classification: Likely pathogenic for Retinitis pigmentosa 23; Joubert syndrome 10; Orofaciodigital syndrome I; Simpson-Golabi-Behmel syndrome type 2. Review status: criteria provided, single submitter. Criteria: ACMG Guidelines, 2015. Collection method: clinical testing. Allele origin: germline.
Comment: Absent from controls (or at extremely low frequency if recessive) in Genome Aggregation Database.;Null variant in a gene where loss of function (LOF) is a known mechanism of disease.

Molecular and Clinical Genetics, Institute of Human Genetics P.A.S.
Classification: Pathogenic for Joubert syndrome; Ciliary dyskinesia. Last evaluated: 2018-10-14. Review status: no assertion criteria provided. Collection method: clinical testing. Allele origin: maternal. Inheritance: X-linked recessive inheritance. Affected: yes. Observed: 1 hemizygote. Not counted in ClinVar's aggregate classification.

NM_003611.3(OFD1):c.2746dup (p.Tyr916fs)

Gene: OFD1 (OFD1 centriole and centriolar satellite protein; plus strand). Cytogenetic location: Xp22.2.
Variant type: Duplication.
Coding change: c.2746dup on transcript NM_003611.3 (MANE Select); coding-DNA position 2746, one base duplicated (T; older notation c.2746dupT).
Protein change: p.Tyr916fs; shifts the reading frame from tyrosine 916.
Molecular consequence: frameshift variant.
Genome position (GRCh38, 1-based): chrX:13,767,273, T duplicated. VCF-style (leftmost placement, unchanged base first): chrX-13767272-G-GT. GRCh37 (hg19) VCF-style: chrX-13785391-G-GT.
Other names: c.2626dup, p.Tyr876fs (NM_001330209.2); c.2326dup, p.Tyr776fs (NM_001330210.2); short protein forms Y876fs, Y916fs, Y776fs.
Identifiers: ClinVar variation 619133 (VCV000619133.4), dbSNP rs1569163423, ClinGen allele CA913190327.